The following is an entry in ClinVar:

NM_004525.3(LRP2):c.4344C>G (p.Ala1448=)

Gene: LRP2 (LDL receptor related protein 2; minus strand). Cytogenetic location: 2q31.1.
Variant type: single nucleotide variant.
Coding change: c.4344C>G on transcript NM_004525.3 (MANE Select); coding-DNA position 4344, C replaced by G.
Protein change: p.Ala1448=; no amino-acid change (alanine 1448 retained).
Molecular consequence: synonymous variant.
Genome position (GRCh38, 1-based): chr2:169,238,253, G>C on the plus strand (C>G on the coding strand, the complement: LRP2 is on the minus strand). VCF-style: chr2-169238253-G-C. GRCh37 (hg19) VCF-style: chr2-170094763-G-C.
Other names: p.Ala1448=.
Identifiers: ClinVar variation 129524 (VCV000129524.24), dbSNP rs35297090, ClinGen allele CA153587.

ClinVar aggregate classification (germline): Benign. Review status: criteria provided, multiple submitters, no conflicts (2 of 4 stars). 7 submissions from 7 submitters: Benign (6). 1 of the submissions does not count toward it. Last evaluated 2026-02-04.

Conditions:
Donnai-Barrow syndrome. Also called: DBS/FOAR SYNDROME; FACIOOCULOACOUSTICORENAL SYNDROME. Identifiers: Orphanet 2143, MedGen C1857277, MONDO:0009104, OMIM 222448.

Allele frequency attached by ClinVar (database versions not stated): ExAC 0.00553; gnomAD 0.01784; ESP Exome Variant Server 0.01891; TOPMed 0.01971; 1000 Genomes Project 0.02157; 1000 Genomes Project 30x 0.02280.
gnomAD v4.1: 5,162 of 1,614,020 alleles (0.32%); highest among the groups gnomAD compares: African/African-American, 6.1%; 129 homozygotes.

Submissions (7):

Labcorp Genetics (formerly Invitae), Labcorp
Classification: Benign. Last evaluated: 2026-02-04. Review status: criteria provided, single submitter. Criteria: Invitae Variant Classification Sherloc (09022015). Collection method: clinical testing. Allele origin: germline.

Mayo Clinic Laboratories, Mayo Clinic
Classification: Benign. Last evaluated: 2023-04-10. Review status: criteria provided, single submitter. Criteria: ACMG Guidelines, 2015. Collection method: clinical testing. Allele origin: germline. Observed: 3 variant alleles.

Genome-Nilou Lab
Classification: Benign for Donnai-Barrow syndrome. Last evaluated: 2021-07-15. Review status: criteria provided, single submitter. Criteria: ACMG Guidelines, 2015. Collection method: clinical testing. Allele origin: germline. Affected: no.

GeneDx
Classification: Benign. Last evaluated: 2020-03-14. Review status: criteria provided, single submitter. Criteria: GeneDx Variant Classification Process June 2021. Collection method: clinical testing. Allele origin: germline. Affected: yes.

Illumina Laboratory Services, Illumina
Classification: Benign for Donnai-Barrow syndrome. Last evaluated: 2018-01-12. Review status: criteria provided, single submitter. Criteria: ICSL Variant Classification Criteria 13 December 2019. Collection method: clinical testing. Allele origin: germline.
Comment: This variant was observed in the ICSL laboratory as part of a predisposition screen in an ostensibly healthy population. It had not been previously curated by ICSL or reported in the Human Gene Mutation Database (HGMD: prior to June 1st, 2018), and was therefore a candidate for classification through an automated scoring system. Utilizing variant allele frequency, disease prevalence and penetrance estimates, and inheritance mode, an automated score was calculated to assess if this variant is too frequent to cause the disease. Based on the score and internal cut-off values, a variant classified as benign is not then subjected to further curation. The score for this variant resulted in a classification of benign for this disease.

Breakthrough Genomics
Classification: Benign. Review status: criteria provided, single submitter. Criteria: ACMG Guidelines, 2015. Collection method: not provided. Allele origin: germline. Inheritance: Autosomal recessive inheritance. Affected: yes.

Genetic Services Laboratory, University of Chicago
Classification: Likely benign for AllHighlyPenetrant. Review status: no assertion criteria provided. Collection method: clinical testing. Allele origin: germline. Inheritance: Autosomal recessive inheritance. Not counted in ClinVar's aggregate classification.
Comment: Likely benign based on allele frequency in 1000 Genomes Project or ESP global frequency and its presence in a patient with a rare or unrelated disease phenotype. NOT Sanger confirmed.